The following is an entry in ClinVar:

ClinVar aggregate classification (germline): Uncertain significance (1 of 4 stars; one submission).

Conditions:
Glycogen storage disease type III (GSD3). Also called: Cori disease; FORBES DISEASE. Identifiers: Orphanet 366, MedGen C0017922, MONDO:0009291, OMIM 232400.

Submission:

Labcorp Genetics (formerly Invitae), Labcorp
Classification: Uncertain significance for Glycogen storage disease type III. Last evaluated: 2020-02-04. Review status: criteria provided, single submitter. Criteria: Invitae Variant Classification Sherloc (09022015). Collection method: clinical testing. Allele origin: germline.
Comment: This variant results in a copy number gain of the genomic region encompassing the full coding sequence of the AGL gene. The boundaries of this event are unknown as they extend beyond the assayed region for this gene and therefore may encompass additional genes. As the precise location of this event is unknown, it may be in tandem or it may be located elsewhere in the genome. This variant has not been reported in the literature in individuals with AGL-related conditions. Experimental studies and prediction algorithms are not available or were not evaluated, and the functional significance of this variant is currently unknown. In summary, the available evidence is currently insufficient to determine the role of this variant in disease. Therefore, it has been classified as a Variant of Uncertain Significance.

NC_000001.10:g.(?_100314640)_(100390579_?)dup

Gene: AGL (amylo-alpha-1,6-glucosidase and 4-alpha-glucanotransferase; plus strand). Cytogenetic location: 1p21.2.
Variant type: Duplication.
Identifiers: ClinVar variation 1046427 (VCV001046427.1).